The following is an entry in ClinVar:

ClinVar aggregate classification (germline): Conflicting classifications of pathogenicity. Review status: criteria provided, conflicting classifications (1 of 4 stars). 4 submissions from 4 submitters: Uncertain significance (1); Benign (1); Likely benign (2). Last evaluated 2025-12-21.

Conditions:
Hereditary cancer-predisposing syndrome. Also called: Hereditary neoplastic syndrome; Neoplastic Syndromes, Hereditary; Tumor predisposition; Hereditary Cancer Syndrome. Identifiers: Orphanet 140162, MedGen C0027672, MeSH D009386, MONDO:0015356.
Tuberous sclerosis 2 (TSC2). Identifiers: Orphanet 805, MedGen C1860707, MONDO:0013199, OMIM 613254.

Allele frequency attached by ClinVar (database versions not stated): gnomAD exomes below 0.00001; TOPMed below 0.00001.
gnomAD v4.1: 1 of 1,605,242 alleles (0.000062%); highest among the groups gnomAD compares: African/African-American, 0.0013%; no homozygotes.

Submissions (4):

Labcorp Genetics (formerly Invitae), Labcorp
Classification: Likely benign for Tuberous sclerosis 2. Last evaluated: 2025-12-21. Review status: criteria provided, single submitter. Criteria: Invitae Variant Classification Sherloc (09022015). Collection method: clinical testing. Allele origin: germline.

Myriad Genetics, Inc.
Classification: Benign for Tuberous sclerosis 2. Last evaluated: 2025-06-03. Review status: criteria provided, single submitter. Criteria: Myriad Autosomal Dominant, Autosomal Recessive and X-Linked Classification Criteria (2023). Collection method: clinical testing. Allele origin: unknown.
Comment: This variant is considered benign. This variant is a silent/synonymous amino acid change and it is not expected to impact splicing.

Sema4
Classification: Uncertain significance for Hereditary cancer-predisposing syndrome. Last evaluated: 2021-08-06. Review status: criteria provided, single submitter. Criteria: Sema4 Curation Guidelines. Collection method: curation. Allele origin: germline.
Comment: The TSC2 c.4368C>T (p.L1456=) variant has not been reported in the literature to our knowledge. It was not observed in the large and broad cohorts of the Genome Aggregation Database. The variant has been reported in ClinVar (Variation ID 468086). The position is weakly conserved and computational analyses do not provide strong support for or against an impact to the mRNA splicing, though these predictions have not been confirmed by functional studies. The evidence is insufficient to meet ACMG/AMP criteria for classifying the variant as benign or pathogenic. Thus, the clinical significance of this variant is currently uncertain.

Ambry Genetics
Classification: Likely benign for Hereditary cancer-predisposing syndrome. Last evaluated: 2015-12-16. Review status: criteria provided, single submitter. Criteria: Ambry Variant Classification Scheme 2023. Collection method: clinical testing. Allele origin: germline.

NM_000548.5(TSC2):c.4368C>T (p.Leu1456=)

Gene: TSC2 (TSC complex subunit 2; plus strand). Cytogenetic location: 16p13.3.
Variant type: single nucleotide variant.
Coding change: c.4368C>T on transcript NM_000548.5 (MANE Select); coding-DNA position 4368, C replaced by T.
Protein change: p.Leu1456=; no amino-acid change (leucine 1456 retained).
Molecular consequence: synonymous variant.
Genome position (GRCh38, 1-based): chr16:2,084,590, C>T. VCF-style: chr16-2084590-C-T. GRCh37 (hg19) VCF-style: chr16-2134591-C-T.
Other names: c.4167C>T, p.Leu1389= (NM_001077183.3); c.4299C>T, p.Leu1433= (NM_001114382.3); c.4059C>T, p.Leu1353= (NM_001318827.2); c.4023C>T, p.Leu1341= (NM_001318829.2); c.3636C>T, p.Leu1212= (NM_001318831.2); c.4200C>T, p.Leu1400= (NM_001318832.2); c.4170C>T, p.Leu1390= (NM_001363528.2); c.4236C>T, p.Leu1412= (NM_001370404.1); and 1 more.
Identifiers: ClinVar variation 468086 (VCV000468086.15), dbSNP rs1555514397, ClinGen allele CA493043491.